The following is an entry in ClinVar:

ClinVar aggregate classification (germline): Uncertain significance (1 of 4 stars; one submission).

Conditions:
Congenital contractural arachnodactyly (CCA). Also called: BEALS SYNDROME; Arthrogryposis, distal, type 9; Beals-Hecht syndrome. Identifiers: Orphanet 115, MedGen C0220668, MONDO:0007363, OMIM 121050.

Allele frequency attached by ClinVar (database versions not stated): gnomAD exomes below 0.00001.
gnomAD v4.1: 2 of 1,613,832 alleles (0.00012%); highest among the groups gnomAD compares: African/African-American, 0.0013%; no homozygotes.

Submission:

Labcorp Genetics (formerly Invitae), Labcorp
Classification: Uncertain significance for Congenital contractural arachnodactyly. Last evaluated: 2023-04-09. Review status: criteria provided, single submitter. Criteria: Invitae Variant Classification Sherloc (09022015). Collection method: clinical testing. Allele origin: germline.
Comment: This variant has not been reported in the literature in individuals affected with FBN2-related conditions. This variant is not present in population databases (gnomAD no frequency). In summary, the available evidence is currently insufficient to determine the role of this variant in disease. Therefore, it has been classified as a Variant of Uncertain Significance. Advanced modeling of protein sequence and biophysical properties (such as structural, functional, and spatial information, amino acid conservation, physicochemical variation, residue mobility, and thermodynamic stability) performed at Invitae indicates that this missense variant is not expected to disrupt FBN2 protein function. This sequence change replaces methionine, which is neutral and non-polar, with valine, which is neutral and non-polar, at codon 523 of the FBN2 protein (p.Met523Val).

NM_001999.4(FBN2):c.1567A>G (p.Met523Val)

Gene: FBN2 (fibrillin 2; minus strand). Cytogenetic location: 5q23.3.
Variant type: single nucleotide variant.
Coding change: c.1567A>G on transcript NM_001999.4 (MANE Select); coding-DNA position 1567, A replaced by G.
Protein change: p.Met523Val; replaces methionine 523 with valine.
Molecular consequence: missense variant.
Genome position (GRCh38, 1-based): chr5:128,392,054, T>C on the plus strand (A>G on the coding strand, the complement: FBN2 is on the minus strand). VCF-style: chr5-128392054-T-C. GRCh37 (hg19) VCF-style: chr5-127727747-T-C.
Other names: short protein forms M523V.
Identifiers: ClinVar variation 2719988 (VCV002719988.3), dbSNP rs1255072365, ClinGen allele CA360747488.
Genomic context (GRCh38, chr5:128,392,054, plus strand): 5'-ATTATTAAAGAATCACAAACTTACCTATACAATCTCCATTTGCATCCTGCTTATAACCCA[T>C]GTTGCATTCACATCGGTAGCTTGAGACAGTTGGTATACAGCGTCCATTTAAACAAAGGTT-3'
Protein context (NP_001990.2, residues 513-533): TVSSYRCECN[Met523Val]GYKQDANGDC